The following is an entry in ClinVar:

ClinVar aggregate classification (germline): Likely pathogenic (1 of 4 stars; one submission).

Conditions:
Tumoral calcinosis, hyperphosphatemic, familial, 3. Identifiers: MedGen C4693864, MONDO:0060715, OMIM 617994.

Submission:

Variantyx, Inc.
Classification: Likely pathogenic for Tumoral calcinosis, hyperphosphatemic, familial, 3. Last evaluated: 2025-07-24. Review status: criteria provided, single submitter. Criteria: Variantyx Assertion Criteria 2022. Collection method: clinical testing. Allele origin: germline. Inheritance: Autosomal recessive inheritance. Affected: no.
Comment: This is a frameshift variant in the KL gene (OMIM: 604824). Pathogenic variants in this gene have been associated with autosomal recessive hyperphosphatemic familial tumoral calcinosis 3 (provisional association). This variant introduces a premature termination codon in exon 1 out of 5 and is expected to result in loss of function, which is a known disease mechanism for KL in this disorder (PMID:17710231) (PVS1). This variant is absent from control populations (PM2) and it has not been reported in individuals with KL-related disorders in the databases available for review. Based on the current evidence, this variant is classified as likely pathogenic for autosomal recessive hyperphosphatemic familial tumoral calcinosis 3 (provisional association).

Literature cited by the submitters: PubMed 17710231.

NM_004795.4(KL):c.242_245dup (p.His83fs)

Gene: KL (klotho; plus strand). Cytogenetic location: 13q13.1.
Variant type: Duplication.
Coding change: c.242_245dup on transcript NM_004795.4 (MANE Select); coding-DNA positions 242 to 245, 4 bases duplicated (AGCA; older notation c.242_245dupAGCA).
Protein change: p.His83fs; shifts the reading frame from histidine 83.
Molecular consequence: frameshift variant.
Genome position (GRCh38, 1-based): chr13:33,016,682-33,016,685, AGCA duplicated. VCF-style (leftmost placement, unchanged base first): chr13-33016681-C-CAGCA. GRCh37 (hg19) VCF-style: chr13-33590819-C-CAGCA.
Other names: short protein forms H83fs.
Identifiers: ClinVar variation 4850063 (VCV004850063.1).